The following is an entry in ClinVar:

NM_001371986.1(UNC80):c.5715A>G (p.Pro1905=)

Gene: UNC80 (unc-80 subunit of NALCN channel complex; plus strand). Cytogenetic location: 2q34.
Variant type: single nucleotide variant.
Coding change: c.5715A>G on transcript NM_001371986.1 (MANE Select); coding-DNA position 5715, A replaced by G.
Protein change: p.Pro1905=; no amino-acid change (proline 1905 retained).
Molecular consequence: synonymous variant.
Genome position (GRCh38, 1-based): chr2:209,926,895, A>G. VCF-style: chr2-209926895-A-G. GRCh37 (hg19) VCF-style: chr2-210791619-A-G.
Other names: c.5517A>G (NM_032504.1); c.5517A>G, p.Pro1839= (NM_032504.2); c.5502A>G, p.Pro1834= (NM_182587.4).
Identifiers: ClinVar variation 2190358 (VCV002190358.6), dbSNP rs548802929, ClinGen allele CA2083319.

ClinVar aggregate classification (germline): Likely benign. Review status: criteria provided, single submitter (1 of 4 stars). 2 submissions from 2 submitters: Likely benign (1). 1 of the submissions does not count toward it. Last evaluated 2025-12-26.

Conditions:
UNC80-related disorder. Also called: UNC80-related condition.

Allele frequency attached by ClinVar (database versions not stated): TOPMed below 0.00001; gnomAD 0.00001; gnomAD exomes 0.00001; ExAC 0.00004; 1000 Genomes Project 30x 0.00016; 1000 Genomes Project 0.00020.
gnomAD v4.1: 10 of 1,552,202 alleles (0.00064%); highest among the groups gnomAD compares: South Asian, 0.011%; no homozygotes.

Submissions (2):

Labcorp Genetics (formerly Invitae), Labcorp
Classification: Likely benign. Last evaluated: 2025-12-26. Review status: criteria provided, single submitter. Criteria: Invitae Variant Classification Sherloc (09022015). Collection method: clinical testing. Allele origin: germline.

PreventionGenetics, part of Exact Sciences
Classification: Likely benign for UNC80-related condition. Last evaluated: 2019-08-27. Review status: no assertion criteria provided. Collection method: clinical testing. Allele origin: germline. Not counted in ClinVar's aggregate classification.
Comment: This variant is classified as likely benign based on ACMG/AMP sequence variant interpretation guidelines (Richards et al. 2015 PMID: 25741868, with internal and published modifications).